The following is an entry in ClinVar:

NM_007294.4(BRCA1):c.5105A>G (p.Lys1702Arg)

Gene: BRCA1 (BRCA1 DNA repair associated; minus strand). Cytogenetic location: 17q21.31.
Variant type: single nucleotide variant.
Coding change: c.5105A>G on transcript NM_007294.4 (MANE Select); coding-DNA position 5105, A replaced by G.
Protein change: p.Lys1702Arg; replaces lysine 1702 with arginine.
Molecular consequence: missense variant. On other transcripts: non-coding transcript variant (1).
Genome position (GRCh38, 1-based): chr17:43,063,921, T>C on the plus strand (A>G on the coding strand, the complement: BRCA1 is on the minus strand). VCF-style: chr17-43063921-T-C. GRCh37 (hg19) VCF-style: chr17-41215938-T-C.
Other names: c.4892A>G, p.Lys1631Arg (NM_001407571.1, NM_001407894.1, NM_001407895.1 and 12 more transcripts); c.5171A>G, p.Lys1724Arg (NM_001407581.1, NM_001407582.1); c.5168A>G, p.Lys1723Arg (NM_001407583.1, NM_001407585.1, NM_001407587.1 and 1 more transcripts); c.5165A>G, p.Lys1722Arg (NM_001407590.1, NM_001407591.1); c.5105A>G, p.Lys1702Arg (NM_001407593.1, NM_001407594.1, NM_001407596.1 and 7 more transcripts); c.5102A>G, p.Lys1701Arg (NM_001407616.1, NM_001407617.1, NM_001407618.1 and 17 more transcripts); c.5099A>G, p.Lys1700Arg (NM_001407635.1, NM_001407636.1, NM_001407637.1 and 14 more transcripts); c.5096A>G, p.Lys1699Arg (NM_001407644.1, NM_001407645.1); and 71 more; short protein forms K1655R, K598R, K1702R, K1723R, K1589R, K1612R, K1613R, K1630R.
Identifiers: ClinVar variation 868651 (VCV000868651.14), dbSNP rs2051924695, ClinGen allele CA10591319.
Genomic context (GRCh38, chr17:43,063,921, plus strand): 5'-GTATTATACTTACAGAAATAGCTAACTACCCATTTTCCTCCCGCAATTCCTAGAAAATAT[T>C]TCAGTGTCCGTTCACACACAAACTCAGCATCTGCAGAATGAAAAACACTCAAAGGATTAG-3'
Protein context (NP_009225.1, residues 1692-1712): DAEFVCERTL[Lys1702Arg]YFLGIAGGKW

ClinVar aggregate classification (germline): Conflicting classifications of pathogenicity. Review status: criteria provided, conflicting classifications (1 of 4 stars). 2 submissions from 2 submitters: Likely pathogenic (1); Uncertain significance (1). Last evaluated 2026-04-27.

Conditions:
Hereditary breast ovarian cancer syndrome. Also called: Hereditary breast and ovarian cancer; Hereditary breast and ovarian cancer syndrome (HBOC); Breast and ovarian cancer; Hereditary breast and/or ovarian cancer syndrome; BRCA1- and BRCA2-Associated Hereditary Breast and Ovarian Cancer; Hereditary breast and ovarian cancer syndrome. Identifiers: Orphanet 145, MedGen C0677776, MeSH D061325, MONDO:0003582. Disease mechanism: loss of function.
Hereditary cancer-predisposing syndrome. Also called: Neoplastic Syndromes, Hereditary; Tumor predisposition; Hereditary Cancer Syndrome; Hereditary neoplastic syndrome. Identifiers: Orphanet 140162, MedGen C0027672, MeSH D009386, MONDO:0015356.

Submissions (3):

Ambry Genetics
Classification: Likely pathogenic for Hereditary cancer-predisposing syndrome. Last evaluated: 2026-04-27. Review status: criteria provided, single submitter. Criteria: Ambry Variant Classification Scheme 2023. Collection method: clinical testing. Allele origin: germline.
Comment: The p.K1702R variant (also known as c.5105A>G), located in coding exon 16 of the BRCA1 gene, results from an A to G substitution at nucleotide position 5105. The lysine at codon 1702 is replaced by arginine, an amino acid with highly similar properties. One functional study found that this nucleotide substitution is non-functional in a high throughput genome editing haploid cell survival assay (Findlay GM et al. Nature, 2018 Oct;562:217-222). This variant was non-functional in homology directed repair and cisplatin resistance protein functional assays (Adamovich AI et al. Am J Hum Genet, 2022 Apr;109:618-630). This amino acid position is highly conserved in available vertebrate species. In addition, this alteration is predicted to be deleterious by in silico analysis. This variant is considered to be rare based on population cohorts in the Genome Aggregation Database (gnomAD). Based on the majority of available evidence to date, this variant is likely to be pathogenic.

Labcorp Genetics (formerly Invitae), Labcorp
Classification: Uncertain significance for Hereditary breast ovarian cancer syndrome. Last evaluated: 2019-09-12. Review status: criteria provided, single submitter. Criteria: Invitae Variant Classification Sherloc (09022015). Collection method: clinical testing. Allele origin: germline.
Comment: In summary, the available evidence is currently insufficient to determine the role of this variant in disease. Therefore, it has been classified as a Variant of Uncertain Significance. This variant has been reported to affect BRCA1 protein function (PMID: 30209399). This variant has not been reported in the literature in individuals with BRCA1-related conditions. This variant is not present in population databases (ExAC no frequency). This sequence change replaces lysine with arginine at codon 1702 of the BRCA1 protein (p.Lys1702Arg). The lysine residue is highly conserved and there is a small physicochemical difference between lysine and arginine.

Brotman Baty Institute, University of Washington
No classification provided (evidence only). Condition: Breast-ovarian cancer, familial 1. Review status: no classification provided. Collection method: in vitro. Allele origin: not applicable. Functional consequence: functionally_abnormal. Not counted in ClinVar's aggregate classification.
ClinVar note: "not provided" was previously submitted as the classification for the variant. However, the classification appeared to be based only on an observation of functional data so it was converted to no classification on 2025-07-30.

Literature cited by the submitters: PubMed 30209399 (cited by Ambry Genetics and Labcorp Genetics (formerly Invitae), Labcorp); PubMed 35196514 (cited by Ambry Genetics).